The following is an entry in ClinVar:

ClinVar aggregate classification (germline): Pathogenic (1 of 4 stars; one submission).

Conditions:
Joubert syndrome. Also called: Familial aplasia of the vermis; CEREBELLOPARENCHYMAL DISORDER IV; JOUBERT-BOLTSHAUSER SYNDROME. Identifiers: Orphanet 475, MedGen C5979921, MONDO:0018772.
Meckel-Gruber syndrome. Also called: Dysencephalia splachnocystica; DYSENCEPHALIA SPLANCHNOCYSTICA; GRUBER SYNDROME. Identifiers: Orphanet 564, MedGen C0265215, MONDO:0018921.

Submission:

Labcorp Genetics (formerly Invitae), Labcorp
Classification: Pathogenic for Joubert syndrome; Meckel-Gruber syndrome. Last evaluated: 2020-06-19. Review status: criteria provided, single submitter. Criteria: Invitae Variant Classification Sherloc (09022015). Collection method: clinical testing. Allele origin: germline.
Comment: For these reasons, this variant has been classified as Pathogenic. Loss-of-function variants in RPGRIP1L are known to be pathogenic (PMID: 17558409). This variant has not been reported in the literature in individuals with RPGRIP1L-related conditions. This variant is not present in population databases (ExAC no frequency). This sequence change creates a premature translational stop signal (p.Glu166*) in the RPGRIP1L gene. It is expected to result in an absent or disrupted protein product.

Literature cited by the submitters: PubMed 17558409.

NM_015272.5(RPGRIP1L):c.496G>T (p.Glu166Ter)

Gene: RPGRIP1L (RPGRIP1 like; minus strand). Cytogenetic location: 16q12.2.
Variant type: single nucleotide variant.
Coding change: c.496G>T on transcript NM_015272.5 (MANE Select); coding-DNA position 496, G replaced by T.
Protein change: p.Glu166Ter; replaces glutamic acid 166 with a stop codon.
Molecular consequence: nonsense.
Genome position (GRCh38, 1-based): chr16:53,692,099, C>A on the plus strand (G>T on the coding strand, the complement: RPGRIP1L is on the minus strand). VCF-style: chr16-53692099-C-A. GRCh37 (hg19) VCF-style: chr16-53726011-C-A.
Other names: c.496G>T, p.Glu166Ter (NM_001127897.4, NM_001308334.3, NM_001330538.2); short protein forms E166*.
Identifiers: ClinVar variation 1069496 (VCV001069496.7), dbSNP rs2151351169, ClinGen allele CA395924682.